The following is an entry in ClinVar:

ClinVar aggregate classification (germline): Uncertain significance (1 of 4 stars; one submission).

Submission:

Labcorp Genetics (formerly Invitae), Labcorp
Classification: Uncertain significance. Last evaluated: 2022-02-27. Review status: criteria provided, single submitter. Criteria: Invitae Variant Classification Sherloc (09022015). Collection method: clinical testing. Allele origin: germline.
Comment: Algorithms developed to predict the effect of missense changes on protein structure and function are either unavailable or do not agree on the potential impact of this missense change (SIFT: "Deleterious"; PolyPhen-2: "Probably Damaging"; Align-GVGD: "Class C15"). In summary, the available evidence is currently insufficient to determine the role of this variant in disease. Therefore, it has been classified as a Variant of Uncertain Significance. This variant has not been reported in the literature in individuals affected with MS4A1-related conditions. This variant is not present in population databases (gnomAD no frequency). This sequence change replaces glycine, which is neutral and non-polar, with cysteine, which is neutral and slightly polar, at codon 19 of the MS4A1 protein (p.Gly19Cys).

NM_152866.3(MS4A1):c.55G>T (p.Gly19Cys)

Gene: MS4A1 (membrane spanning 4-domains A1; plus strand). Cytogenetic location: 11q12.2.
Variant type: single nucleotide variant.
Coding change: c.55G>T on transcript NM_152866.3 (MANE Select); coding-DNA position 55, G replaced by T.
Protein change: p.Gly19Cys; replaces glycine 19 with cysteine.
Molecular consequence: missense variant.
Genome position (GRCh38, 1-based): chr11:60,462,429, G>T. VCF-style: chr11-60462429-G-T. GRCh37 (hg19) VCF-style: chr11-60229902-G-T.
Other names: c.55G>T, p.Gly19Cys (NM_021950.4, NM_152867.2); short protein forms G19C.
Identifiers: ClinVar variation 2104137 (VCV002104137.4), dbSNP rs2495398622, ClinGen allele CA380597687.